The following is an entry in ClinVar:

NM_182914.3(SYNE2):c.14944G>C (p.Asp4982His)

Gene: SYNE2 (spectrin repeat containing nuclear envelope protein 2; plus strand). Cytogenetic location: 14q23.2.
Variant type: single nucleotide variant.
Coding change: c.14944G>C on transcript NM_182914.3 (MANE Select); coding-DNA position 14944, G replaced by C.
Protein change: p.Asp4982His; replaces aspartic acid 4982 with histidine.
Molecular consequence: missense variant.
Genome position (GRCh38, 1-based): chr14:64,140,041, G>C. VCF-style: chr14-64140041-G-C. GRCh37 (hg19) VCF-style: chr14-64606759-G-C.
Other names: c.14944G>C, p.Asp4982His (NM_015180.6); short protein forms D4982H.
Identifiers: ClinVar variation 2039742 (VCV002039742.4), dbSNP rs1246883429, ClinGen allele CA389939768.

ClinVar aggregate classification (germline): Uncertain significance (1 of 4 stars; one submission).

Conditions:
Emery-Dreifuss muscular dystrophy 5, autosomal dominant (EDMD5). Also called: EMERY-DREIFUSS MUSCULAR DYSTROPHY 5. Identifiers: Orphanet 261, MedGen C2751805, MONDO:0013072, OMIM 612999.

gnomAD v4.1: 1 of 1,613,868 alleles (0.000062%); no homozygotes.

Submission:

Labcorp Genetics (formerly Invitae), Labcorp
Classification: Uncertain significance for Emery-Dreifuss muscular dystrophy 5, autosomal dominant. Last evaluated: 2021-12-11. Review status: criteria provided, single submitter. Criteria: Invitae Variant Classification Sherloc (09022015). Collection method: clinical testing. Allele origin: germline.
Comment: In summary, the available evidence is currently insufficient to determine the role of this variant in disease. Therefore, it has been classified as a Variant of Uncertain Significance. Algorithms developed to predict the effect of missense changes on protein structure and function are either unavailable or do not agree on the potential impact of this missense change (SIFT: "Tolerated"; PolyPhen-2: "Possibly Damaging"; Align-GVGD: "Class C0"). This variant has not been reported in the literature in individuals affected with SYNE2-related conditions. This variant is present in population databases (no rsID available, gnomAD 0.0009%). This sequence change replaces aspartic acid, which is acidic and polar, with histidine, which is basic and polar, at codon 4982 of the SYNE2 protein (p.Asp4982His).